The following is an entry in ClinVar:

NM_006509.4(RELB):c.1216G>A (p.Gly406Ser)

Gene: RELB (RELB proto-oncogene, NF-kB subunit; plus strand). Cytogenetic location: 19q13.32.
Variant type: single nucleotide variant.
Coding change: c.1216G>A on transcript NM_006509.4 (MANE Select); coding-DNA position 1216, G replaced by A.
Protein change: p.Gly406Ser; replaces glycine 406 with serine.
Molecular consequence: missense variant.
Genome position (GRCh38, 1-based): chr19:45,034,252, G>A. VCF-style: chr19-45034252-G-A. GRCh37 (hg19) VCF-style: chr19-45537510-G-A.
Other names: c.1207G>A, p.Gly403Ser (NM_001411087.1); short protein forms G403S, G406S.
Identifiers: ClinVar variation 2634981 (VCV002634981.4), dbSNP rs770432794, ClinGen allele CA9507786.

ClinVar aggregate classification (germline): Uncertain significance. Review status: criteria provided, multiple submitters, no conflicts (2 of 4 stars). 2 submissions from 2 submitters: Uncertain significance (2). Last evaluated 2023-01-22.

Conditions:
RELB-related disorder. Also called: RELB-related condition.

Allele frequency attached by ClinVar (database versions not stated): TOPMed below 0.00001; ExAC 0.00001; gnomAD 0.00001.
gnomAD v4.1: 7 of 1,613,564 alleles (0.00043%); highest among the groups gnomAD compares: South Asian, 0.0011%; no homozygotes.

Submissions (2):

Labcorp Genetics (formerly Invitae), Labcorp
Classification: Uncertain significance. Last evaluated: 2023-01-22. Review status: criteria provided, single submitter. Criteria: Invitae Variant Classification Sherloc (09022015). Collection method: clinical testing. Allele origin: germline.
Comment: In summary, the available evidence is currently insufficient to determine the role of this variant in disease. Therefore, it has been classified as a Variant of Uncertain Significance. Algorithms developed to predict the effect of missense changes on protein structure and function are either unavailable or do not agree on the potential impact of this missense change (SIFT: "Tolerated"; PolyPhen-2: "Probably Damaging"; Align-GVGD: "Class C0"). This variant has not been reported in the literature in individuals affected with RELB-related conditions. This variant is present in population databases (rs770432794, gnomAD 0.0009%). This sequence change replaces glycine, which is neutral and non-polar, with serine, which is neutral and polar, at codon 406 of the RELB protein (p.Gly406Ser).

PreventionGenetics, part of Exact Sciences
Classification: Uncertain significance for RELB-related condition. Last evaluated: 2022-09-19. Review status: criteria provided, single submitter. Criteria: ACMG Guidelines, 2015. Collection method: clinical testing. Allele origin: germline.
Comment: The RELB c.1216G>A variant is predicted to result in the amino acid substitution p.Gly406Ser. To our knowledge, this variant has not been reported in the literature. This variant is reported in 0.00088% of alleles in individuals of European (Non-Finnish) descent in gnomAD. At this time, the clinical significance of this variant is uncertain due to the absence of conclusive functional and genetic evidence.